The following is an entry in ClinVar:

NM_000489.6(ATRX):c.3349A>G (p.Met1117Val)

Gene: ATRX (ATRX chromatin remodeler; minus strand). Cytogenetic location: Xq21.1.
Variant type: single nucleotide variant.
Coding change: c.3349A>G on transcript NM_000489.6 (MANE Select); coding-DNA position 3349, A replaced by G.
Protein change: p.Met1117Val; replaces methionine 1117 with valine.
Molecular consequence: missense variant.
Genome position (GRCh38, 1-based): chrX:77,681,907, T>C on the plus strand (A>G on the coding strand, the complement: ATRX is on the minus strand). VCF-style: chrX-77681907-T-C. GRCh37 (hg19) VCF-style: chrX-76937399-T-C.
Other names: c.3235A>G, p.Met1079Val (NM_138270.5); short protein forms M1117V, M1079V.
Identifiers: ClinVar variation 567734 (VCV000567734.10), dbSNP rs1569538741, ClinGen allele CA413706761.

ClinVar aggregate classification (germline): Uncertain significance. Review status: criteria provided, multiple submitters, no conflicts (2 of 4 stars). 3 submissions from 3 submitters: Uncertain significance (3). Last evaluated 2024-02-07.

Conditions:
Intellectual disability-hypotonic facies syndrome, X-linked, 1 (MRXHF1). Also called: X-linked intellectual disability-hypotonic face syndrome; HOLMES-GANG SYNDROME; Smith Fineman Myers syndrome 1; XLMR-HYPOTONIC FACIES SYNDROME; CHUDLEY-LOWRY SYNDROME; Chudley syndrome 1. Identifiers: Orphanet 73220, Orphanet 93970, Orphanet 93971, Orphanet 93972, Orphanet 93973, Orphanet 93974, Orphanet 93975, MedGen C4759781, MONDO:0010663, OMIM 309580.
Acquired hemoglobin H disease (ATMDS). Also called: Alpha-thalassemia myelodysplasia syndrome, somatic; Alpha-thalassemia-myelodysplastic syndrome; Alpha-thalassemia myelodysplasia syndrome. Identifiers: Orphanet 231401, MedGen C0585216, MONDO:0010328, OMIM 300448.
Alpha thalassemia-X-linked intellectual disability syndrome (ATRX). Also called: ALPHA-THALASSEMIA/MENTAL RETARDATION SYNDROME, X-LINKED; ATR, NONDELETION TYPE; ALPHA-THALASSEMIA/IMPAIRED INTELLECTUAL DEVELOPMENT SYNDROME, X-LINKED; X-linked alpha-thalassemia-mental retardation syndrome; ATR-X syndrome; Alpha thalassemia mental retardation syndrome, nondeletion type, X-linked. Identifiers: Orphanet 847, MedGen C1845055, MONDO:0010519, OMIM 301040.

Allele frequency attached by ClinVar (database versions not stated): gnomAD exomes below 0.00001.

Submissions (3):

Women's Health and Genetics/Laboratory Corporation of America, LabCorp
Classification: Uncertain significance. Last evaluated: 2024-02-07. Review status: criteria provided, single submitter. Criteria: LabCorp Variant Classification Summary - May 2015. Collection method: clinical testing. Allele origin: germline.
Comment: Variant summary: ATRX c.3349A>G (p.Met1117Val) results in a conservative amino acid change in the encoded protein sequence. Five of five in-silico tools predict a benign effect of the variant on protein function. The variant allele was found at a frequency of 9.1e-07 (i.e. in 1 female carrier) in 1093327 control chromosomes. The available data on variant occurrences in the general population are insufficient to allow any conclusion about variant significance. These reports do not provide unequivocal conclusions about association of the variant with ATR-X Syndrome. To our knowledge, no experimental evidence demonstrating an impact on protein function has been reported. ClinVar contains an entry for this variant (Variation ID: 567734). Based on the evidence outlined above, the variant was classified as uncertain significance.

Labcorp Genetics (formerly Invitae), Labcorp
Classification: Uncertain significance for Alpha thalassemia-X-linked intellectual disability syndrome. Last evaluated: 2023-12-01. Review status: criteria provided, single submitter. Criteria: Invitae Variant Classification Sherloc (09022015). Collection method: clinical testing. Allele origin: germline.
Comment: This sequence change replaces methionine, which is neutral and non-polar, with valine, which is neutral and non-polar, at codon 1117 of the ATRX protein (p.Met1117Val). This variant is not present in population databases (gnomAD no frequency). This variant has not been reported in the literature in individuals affected with ATRX-related conditions. ClinVar contains an entry for this variant (Variation ID: 567734). Advanced modeling of protein sequence and biophysical properties (such as structural, functional, and spatial information, amino acid conservation, physicochemical variation, residue mobility, and thermodynamic stability) performed at Invitae indicates that this missense variant is not expected to disrupt ATRX protein function with a negative predictive value of 95%. In summary, the available evidence is currently insufficient to determine the role of this variant in disease. Therefore, it has been classified as a Variant of Uncertain Significance.

Fulgent Genetics
Classification: Uncertain significance for Acquired hemoglobin H disease; Alpha thalassemia-X-linked intellectual disability syndrome; Intellectual disability-hypotonic facies syndrome, X-linked, 1. Last evaluated: 2022-04-15. Review status: criteria provided, single submitter. Criteria: ACMG Guidelines, 2015. Collection method: clinical testing. Allele origin: unknown.

Literature cited by the submitters: PubMed 35982159 (cited by Women's Health and Genetics/Laboratory Corporation of America, LabCorp); PubMed 33057194 (cited by Women's Health and Genetics/Laboratory Corporation of America, LabCorp).